The following is an entry in ClinVar:

ClinVar aggregate classification (germline): Uncertain significance. Review status: criteria provided, multiple submitters, no conflicts (2 of 4 stars). 2 submissions from 2 submitters: Uncertain significance (2). Last evaluated 2024-05-20.

Conditions:
Inborn genetic diseases. Identifiers: MedGen C0950123, MeSH D030342.
Amelocerebrohypohidrotic syndrome (KTZS). Also called: Kohlschutter's syndrome; EPILEPSY AND YELLOW TEETH; EPILEPSY, DEMENTIA, AND AMELOGENESIS IMPERFECTA; KOHLSCHUTTER SYNDROME. Identifiers: Orphanet 1946, MedGen C0406740, MONDO:0009185, OMIM 226750.

Allele frequency attached by ClinVar (database versions not stated): gnomAD 0.00003 and 0.00004; TOPMed 0.00003; ESP Exome Variant Server 0.00008.
gnomAD v4.1: 115 of 1,611,160 alleles (0.0071%); highest among the groups gnomAD compares: Middle Eastern, 0.049%; no homozygotes.

Submissions (2):

Ambry Genetics
Classification: Uncertain significance for Inborn genetic diseases. Last evaluated: 2024-05-20. Review status: criteria provided, single submitter. Criteria: Ambry Variant Classification Scheme 2023. Collection method: clinical testing. Allele origin: germline.

Labcorp Genetics (formerly Invitae), Labcorp
Classification: Uncertain significance for Amelocerebrohypohidrotic syndrome. Last evaluated: 2022-07-12. Review status: criteria provided, single submitter. Criteria: Invitae Variant Classification Sherloc (09022015). Collection method: clinical testing. Allele origin: germline.
Comment: This sequence change replaces glutamic acid, which is acidic and polar, with lysine, which is basic and polar, at codon 233 of the ROGDI protein (p.Glu233Lys). This variant is present in population databases (rs370388318, gnomAD 0.008%). This variant has not been reported in the literature in individuals affected with ROGDI-related conditions. ClinVar contains an entry for this variant (Variation ID: 847029). Algorithms developed to predict the effect of missense changes on protein structure and function are either unavailable or do not agree on the potential impact of this missense change (SIFT: "Deleterious"; PolyPhen-2: "Probably Damaging"; Align-GVGD: "Class C0"). Algorithms developed to predict the effect of sequence changes on RNA splicing suggest that this variant may create or strengthen a splice site. In summary, the available evidence is currently insufficient to determine the role of this variant in disease. Therefore, it has been classified as a Variant of Uncertain Significance.

NM_024589.3(ROGDI):c.697G>A (p.Glu233Lys)

Gene: ROGDI (rogdi atypical leucine zipper; minus strand). Cytogenetic location: 16p13.3.
Variant type: single nucleotide variant.
Coding change: c.697G>A on transcript NM_024589.3 (MANE Select); coding-DNA position 697, G replaced by A.
Protein change: p.Glu233Lys; replaces glutamic acid 233 with lysine.
Molecular consequence: missense variant. On other transcripts: non-coding transcript variant (1).
Genome position (GRCh38, 1-based): chr16:4,797,839, C>T on the plus strand (G>A on the coding strand, the complement: ROGDI is on the minus strand). VCF-style: chr16-4797839-C-T. GRCh37 (hg19) VCF-style: chr16-4847840-C-T.
Other names: c.697G>A (NM_024589.1); short protein forms E233K.
Identifiers: ClinVar variation 847029 (VCV000847029.6), dbSNP rs370388318, ClinGen allele CA7882514.